The following is an entry in ClinVar:

NM_015072.5(TTLL5):c.1513A>G (p.Met505Val)

Gene: TTLL5 (tubulin tyrosine ligase like 5; plus strand). Cytogenetic location: 14q24.3.
Variant type: single nucleotide variant.
Coding change: c.1513A>G on transcript NM_015072.5 (MANE Select); coding-DNA position 1513, A replaced by G.
Protein change: p.Met505Val; replaces methionine 505 with valine.
Molecular consequence: missense variant.
Genome position (GRCh38, 1-based): chr14:75,752,918, A>G. VCF-style: chr14-75752918-A-G. GRCh37 (hg19) VCF-style: chr14-76219261-A-G.
Other names: c.1513A>G (NM_015072.4); short protein forms M505V.
Identifiers: ClinVar variation 1005246 (VCV001005246.9), dbSNP rs781316021, ClinGen allele CA7279412.
Genomic context (GRCh38, chr14:75,752,918, plus strand): 5'-TTAAGAAATAACCAGTTTCTTTCTTTGCTTTTCAGGTCCTACCTCGAGCATAAGACCTCA[A>G]TGAACTATATGCTGGCAACACGCCTCTTCCAGGACAGGTAGAGATTTGCTAAACTTTAAA-3'
Protein context (NP_055887.3, residues 495-515): YGSYLEHKTS[Met505Val]NYMLATRLFQ

ClinVar aggregate classification (germline): Conflicting classifications of pathogenicity. Review status: criteria provided, conflicting classifications (1 of 4 stars). 4 submissions from 4 submitters: Pathogenic (1); Likely pathogenic (1); Uncertain significance (1). 1 of the submissions does not count toward it. Last evaluated 2025-09-17.

Conditions:
Retinal dystrophy. Also called: Inherited retinal dystrophy. Identifiers: Orphanet 71862, MedGen C0854723, MeSH D058499, MONDO:0019118, HP:0000556.
TTLL5-related disorder. Also called: TTLL5-related condition.

Allele frequency attached by ClinVar (database versions not stated): TOPMed 0.00006; gnomAD 0.00009.
gnomAD v4.1: 117 of 1,613,514 alleles (0.0073%); highest among the groups gnomAD compares: African/African-American, 0.0093%; no homozygotes.

Submissions (4):

Labcorp Genetics (formerly Invitae), Labcorp
Classification: Likely pathogenic. Last evaluated: 2025-09-17. Review status: criteria provided, single submitter. Criteria: Invitae Variant Classification Sherloc (09022015). Collection method: clinical testing. Allele origin: germline.
Comment: This sequence change replaces methionine, which is neutral and non-polar, with valine, which is neutral and non-polar, at codon 505 of the TTLL5 protein (p.Met505Val). This variant is present in population databases (rs781316021, gnomAD 0.008%). This missense change has been observed in individual(s) with clinical features of cone-rod dystrophy (PMID: 34203883; internal data). In at least one individual the data is consistent with being in trans (on the opposite chromosome) from a pathogenic variant. ClinVar contains an entry for this variant (Variation ID: 1005246). Invitae Evidence Modeling of protein sequence and biophysical properties (such as structural, functional, and spatial information, amino acid conservation, physicochemical variation, residue mobility, and thermodynamic stability) indicates that this missense variant is not expected to disrupt TTLL5 protein function with a negative predictive value of 80%. In summary, the currently available evidence indicates that the variant is pathogenic, but additional data are needed to prove that conclusively. Therefore, this variant has been classified as Likely Pathogenic.

Institute of Human Genetics, Univ. Regensburg, Univ. Regensburg
Classification: Uncertain significance for Retinal dystrophy. Last evaluated: 2023-01-01. Review status: criteria provided, single submitter. Criteria: ACMG Guidelines, 2015. Collection method: clinical testing. Allele origin: germline. Affected: yes.

Blueprint Genetics
Classification: Pathogenic for TTLL5-related disorders. Last evaluated: 2022-10-05. Review status: criteria provided, single submitter. Criteria: ACMG Guidelines, 2015. Collection method: clinical testing. Allele origin: germline. Affected: yes. Observed: 3 variant alleles.

PreventionGenetics, part of Exact Sciences
Classification: Uncertain significance for TTLL5-related condition. Last evaluated: 2024-08-29. Review status: no assertion criteria provided. Collection method: clinical testing. Allele origin: germline. Not counted in ClinVar's aggregate classification.
Comment: The TTLL5 c.1513A>G variant is predicted to result in the amino acid substitution p.Met505Val. This variant has been reported with a splicing variant (c.1282-2A>G) in an individual cone or cone-rod dystrophy (Smirnov et al. 2021. PubMed ID: 34203883). This variant is reported in 0.0080% of alleles in individuals of African descent in gnomAD. At this time, the clinical significance of this variant is uncertain due to the absence of conclusive functional and genetic evidence.

Literature cited by the submitters: PubMed 34203883 (cited by Labcorp Genetics (formerly Invitae), Labcorp and Institute of Human Genetics, Univ. Regensburg, Univ. Regensburg).